The following is an entry in ClinVar:

ClinVar aggregate classification (germline): Uncertain significance (1 of 4 stars; one submission).

Conditions:
Cryopyrin associated periodic syndrome (CAPS). Identifiers: Orphanet 208650, MedGen C2316212, MONDO:0016168.

gnomAD v4.1: 4 of 1,614,184 alleles (0.00025%); highest among the groups gnomAD compares: Non-Finnish European, 0.00034%; no homozygotes.

Submission:

Labcorp Genetics (formerly Invitae), Labcorp
Classification: Uncertain significance for Cryopyrin associated periodic syndrome. Last evaluated: 2024-07-04. Review status: criteria provided, single submitter. Criteria: Invitae Variant Classification Sherloc (09022015). Collection method: clinical testing. Allele origin: germline.
Comment: This sequence change replaces isoleucine, which is neutral and non-polar, with phenylalanine, which is neutral and non-polar, at codon 612 of the NLRP3 protein (p.Ile612Phe). This variant is not present in population databases (gnomAD no frequency). This variant has not been reported in the literature in individuals affected with NLRP3-related conditions. Advanced modeling of protein sequence and biophysical properties (such as structural, functional, and spatial information, amino acid conservation, physicochemical variation, residue mobility, and thermodynamic stability) performed at Invitae indicates that this missense variant is expected to disrupt NLRP3 protein function with a positive predictive value of 95%. In summary, the available evidence is currently insufficient to determine the role of this variant in disease. Therefore, it has been classified as a Variant of Uncertain Significance.

NM_001243133.2(NLRP3):c.1828A>T (p.Ile610Phe)

Gene: NLRP3 (NLR family pyrin domain containing 3; plus strand). Cytogenetic location: 1q44.
Variant type: single nucleotide variant.
Coding change: c.1828A>T on transcript NM_001243133.2 (MANE Select); coding-DNA position 1828, A replaced by T.
Protein change: p.Ile610Phe; replaces isoleucine 610 with phenylalanine.
Molecular consequence: missense variant.
Genome position (GRCh38, 1-based): chr1:247,425,277, A>T. VCF-style: chr1-247425277-A-T. GRCh37 (hg19) VCF-style: chr1-247588579-A-T.
Other names: c.1828A>T, p.Ile610Phe (NM_001079821.3, NM_001127461.3, NM_001127462.3 and 1 more transcripts); c.1834A>T, p.Ile612Phe (NM_004895.5); short protein forms I612F, I610F.
Identifiers: ClinVar variation 3679554 (VCV003679554.2).